The following is an entry in ClinVar:

ClinVar aggregate classification (germline): Uncertain significance (1 of 4 stars; one submission).

Submission:

CeGaT Center for Human Genetics Tuebingen
Classification: Uncertain significance. Last evaluated: 2023-10-01. Review status: criteria provided, single submitter. Criteria: CeGaT Center For Human Genetics Tuebingen Variant Classification Criteria Version 2. Collection method: clinical testing. Allele origin: germline. Affected: yes. Observed: 1 variant allele.
Comment: SOHLH1: PM2, BP4

NM_001101677.2(SOHLH1):c.197+5G>A

Gene: SOHLH1 (spermatogenesis and oogenesis specific basic helix-loop-helix 1; minus strand). Cytogenetic location: 9q34.3.
Variant type: single nucleotide variant.
Coding change: c.197+5G>A on transcript NM_001101677.2 (MANE Select); 5 bases into the intron after coding-DNA position 197, G replaced by A.
Molecular consequence: intron variant.
Genome position (GRCh38, 1-based): chr9:135,698,990, C>T on the plus strand (G>A on the coding strand, the complement: SOHLH1 is on the minus strand). VCF-style: chr9-135698990-C-T. GRCh37 (hg19) VCF-style: chr9-138590836-C-T.
Other names: c.197+5G>A (NM_001012415.3).
Identifiers: ClinVar variation 2659713 (VCV002659713.24), dbSNP rs777943498, ClinGen allele CA5326076.
Genomic context (GRCh38, chr9:135,698,990, plus strand): 5'-GAACATAATCTCACCCGCTCCACCCCTTTACAGCGCCCTCACCCCTGGGAGGCACCACCA[C>T]TCACCTGCGCTCCCTCTCGCTGATCACGTTCCGCCGAAGGCAGGAGCTGGGACCCTCGGC-3'